The following is an entry in ClinVar:

NM_002661.5(PLCG2):c.1246C>T (p.His416Tyr)

Gene: PLCG2 (phospholipase C gamma 2; plus strand). Cytogenetic location: 16q23.3.
Variant type: single nucleotide variant.
Coding change: c.1246C>T on transcript NM_002661.5 (MANE Select); coding-DNA position 1246, C replaced by T.
Protein change: p.His416Tyr; replaces histidine 416 with tyrosine.
Molecular consequence: missense variant.
Genome position (GRCh38, 1-based): chr16:81,900,664, C>T. VCF-style: chr16-81900664-C-T. GRCh37 (hg19) VCF-style: chr16-81934269-C-T.
Other names: c.1246C>T, p.His416Tyr (NM_001425749.1, NM_001425750.1, NM_001425751.1); short protein forms H416Y.
Identifiers: ClinVar variation 3644370 (VCV003644370.2).
Genomic context (GRCh38, chr16:81,900,664, plus strand): 5'-GCCTGCAGCTTCCCAGTGATCCTGTCCATCGAGGAGCACTGCAGCGTGGAGCAACAGCGT[C>T]ACATGGCCAAGGCCTTCAAGGAAGTATTTGGCGACCTGCTGTTGACGAAGCCCACGGAGG-3'
Protein context (NP_002652.2, residues 406-426): EEHCSVEQQR[His416Tyr]MAKAFKEVFG

ClinVar aggregate classification (germline): Uncertain significance (1 of 4 stars; one submission).

Conditions:
Familial cold autoinflammatory syndrome 3 (FCAS3). Also called: FAMILIAL ATYPICAL COLD URTICARIA; ANTIBODY DEFICIENCY AND IMMUNE DYSREGULATION, PLCG2-ASSOCIATED. Identifiers: Orphanet 300359, MedGen C3280914, MONDO:0013766, OMIM 614468.

Submission:

Labcorp Genetics (formerly Invitae), Labcorp
Classification: Uncertain significance for Familial cold autoinflammatory syndrome 3. Last evaluated: 2024-03-03. Review status: criteria provided, single submitter. Criteria: Invitae Variant Classification Sherloc (09022015). Collection method: clinical testing. Allele origin: germline.
Comment: This sequence change replaces histidine, which is basic and polar, with tyrosine, which is neutral and polar, at codon 416 of the PLCG2 protein (p.His416Tyr). This variant is not present in population databases (gnomAD no frequency). This variant has not been reported in the literature in individuals affected with PLCG2-related conditions. Algorithms developed to predict the effect of missense changes on protein structure and function output the following: SIFT: "Not Available"; PolyPhen-2: "Benign"; Align-GVGD: "Not Available". The tyrosine amino acid residue is found in multiple mammalian species, which suggests that this missense change does not adversely affect protein function. In summary, the available evidence is currently insufficient to determine the role of this variant in disease. Therefore, it has been classified as a Variant of Uncertain Significance.